The following is an entry in ClinVar:

NM_030665.4(RAI1):c.655T>C (p.Ser219Pro)

Gene: RAI1 (retinoic acid induced 1; plus strand). Cytogenetic location: 17p11.2.
Variant type: single nucleotide variant.
Coding change: c.655T>C on transcript NM_030665.4 (MANE Select); coding-DNA position 655, T replaced by C.
Protein change: p.Ser219Pro; replaces serine 219 with proline.
Molecular consequence: missense variant.
Genome position (GRCh38, 1-based): chr17:17,793,603, T>C. VCF-style: chr17-17793603-T-C. GRCh37 (hg19) VCF-style: chr17-17696917-T-C.
Other names: short protein forms S219P.
Identifiers: ClinVar variation 1486736 (VCV001486736.8), dbSNP rs2143001659, ClinGen allele CA398545935.

ClinVar aggregate classification (germline): Uncertain significance (1 of 4 stars; one submission).

Submission:

Labcorp Genetics (formerly Invitae), Labcorp
Classification: Uncertain significance. Last evaluated: 2022-07-26. Review status: criteria provided, single submitter. Criteria: Invitae Variant Classification Sherloc (09022015). Collection method: clinical testing. Allele origin: germline.
Comment: This variant has not been reported in the literature in individuals affected with RAI1-related conditions. This variant is not present in population databases (gnomAD no frequency). This sequence change replaces serine, which is neutral and polar, with proline, which is neutral and non-polar, at codon 219 of the RAI1 protein (p.Ser219Pro). ClinVar contains an entry for this variant (Variation ID: 1486736). In summary, the available evidence is currently insufficient to determine the role of this variant in disease. Therefore, it has been classified as a Variant of Uncertain Significance. Algorithms developed to predict the effect of missense changes on protein structure and function are either unavailable or do not agree on the potential impact of this missense change (SIFT: "Deleterious"; PolyPhen-2: "Benign"; Align-GVGD: "Class C0").